The following is an entry in ClinVar:

NM_032242.4(PLXNA1):c.3194T>C (p.Leu1065Pro)

Gene: PLXNA1 (plexin A1; plus strand). Cytogenetic location: 3q21.3.
Variant type: single nucleotide variant.
Coding change: c.3194T>C on transcript NM_032242.4 (MANE Select); coding-DNA position 3194, T replaced by C.
Protein change: p.Leu1065Pro; replaces leucine 1065 with proline.
Molecular consequence: missense variant.
Genome position (GRCh38, 1-based): chr3:127,016,955, T>C. VCF-style: chr3-127016955-T-C. GRCh37 (hg19) VCF-style: chr3-126735798-T-C.
Other names: short protein forms L1065P.
Identifiers: ClinVar variation 3354515 (VCV003354515.1).

ClinVar aggregate classification (germline): Uncertain significance (0 of 4 stars; one submission).

Conditions:
PLXNA1-related disorder. Also called: PLXNA1-related condition.

Submission:

PreventionGenetics, part of Exact Sciences
Classification: Uncertain significance for PLXNA1-related condition. Last evaluated: 2024-01-04. Review status: no assertion criteria provided. Collection method: clinical testing. Allele origin: germline.
Comment: The PLXNA1 c.3194T>C variant is predicted to result in the amino acid substitution p.Leu1065Pro. To our knowledge, this variant has not been reported in the literature or in a large population database, indicating this variant is rare. At this time, the clinical significance of this variant is uncertain due to the absence of conclusive functional and genetic evidence.